The following is an entry in ClinVar:

NM_007194.4(CHEK2):c.1049del (p.Pro350fs)

Gene: CHEK2 (checkpoint kinase 2; minus strand). Cytogenetic location: 22q12.1.
Variant type: Deletion.
Coding change: c.1049del on transcript NM_007194.4 (MANE Select); coding-DNA position 1049, one base deleted (C; older notation c.1049delC).
Protein change: p.Pro350fs; shifts the reading frame from proline 350.
Molecular consequence: frameshift variant. On other transcripts: intron variant (3).
Genome position (GRCh38, 1-based): chr22:28,696,947, G deleted on the plus strand (C on the coding strand, the reverse complement: CHEK2 is on the minus strand); the first of 2 consecutive G bases (chr22:28,696,947-28,696,948); deleting either gives the same sequence. VCF-style (leftmost placement, unchanged base first): chr22-28696946-TG-T. GRCh37 (hg19) VCF-style: chr22-29092934-TG-T.
Other names: c.1178del, p.Pro393fs (NM_001005735.3); c.386del, p.Pro129fs (NM_001257387.3, NM_001437942.1); c.848del, p.Pro283fs (NM_001349956.3); c.1142del, p.Pro381fs (NM_001438293.1); c.1009-1074del (NM_145862.3); c.1102-1074del (NM_001438295.1); c.1138-1074del (NM_001438294.1); short protein forms P350fs, P129fs, P393fs, P283fs, P381fs.
Identifiers: ClinVar variation 650828 (VCV000650828.8), dbSNP rs1601727022, ClinGen allele CA915952852.

ClinVar aggregate classification (germline): Pathogenic. Review status: criteria provided, multiple submitters, no conflicts (2 of 4 stars). 2 submissions from 2 submitters: Pathogenic (2). Last evaluated 2025-08-28.

Conditions:
Hereditary cancer-predisposing syndrome. Also called: Neoplastic Syndromes, Hereditary; Tumor predisposition; Hereditary Cancer Syndrome; Hereditary neoplastic syndrome. Identifiers: Orphanet 140162, MedGen C0027672, MeSH D009386, MONDO:0015356.
Familial cancer of breast. Also called: hereditary breast carcinoma; Hereditary breast cancer; BREAST CANCER, FAMILIAL. Identifiers: Orphanet 227535, MedGen C0346153, MONDO:0016419, OMIM 114480. Disease mechanism: loss of function.

Submissions (2):

Ambry Genetics
Classification: Pathogenic for Hereditary cancer-predisposing syndrome. Last evaluated: 2025-08-28. Review status: criteria provided, single submitter. Criteria: Ambry Variant Classification Scheme 2023. Collection method: clinical testing. Allele origin: germline.
Comment: The c.1049delC pathogenic mutation, located in coding exon 9 of the CHEK2 gene, results from a deletion of one nucleotide at nucleotide position 1049, causing a translational frameshift with a predicted alternate stop codon (p.P350Qfs*15). This variant is considered to be rare based on population cohorts in the Genome Aggregation Database (gnomAD). This alteration is expected to result in loss of function by premature protein truncation or nonsense-mediated mRNA decay. As such, this alteration is interpreted as a disease-causing mutation.

Labcorp Genetics (formerly Invitae), Labcorp
Classification: Pathogenic for Familial cancer of breast. Last evaluated: 2018-08-13. Review status: criteria provided, single submitter. Criteria: Invitae Variant Classification Sherloc (09022015). Collection method: clinical testing. Allele origin: germline.
Comment: This variant has not been reported in the literature in individuals with CHEK2-related disease. For these reasons, this variant has been classified as Pathogenic. Loss-of-function variants in CHEK2 are known to be pathogenic (PMID: 21876083, 24713400). This variant is not present in population databases (ExAC no frequency). This sequence change creates a premature translational stop signal (p.Pro350Glnfs*15) in the CHEK2 gene. It is expected to result in an absent or disrupted protein product.

Literature cited by the submitters: PubMed 21876083 (cited by Labcorp Genetics (formerly Invitae), Labcorp); PubMed 24713400 (cited by Labcorp Genetics (formerly Invitae), Labcorp).